The following is an entry in ClinVar:

ClinVar aggregate classification (germline): Likely benign (0 of 4 stars; one submission).

Conditions:
OGDHL-related disorder. Also called: OGDHL-related condition.

Allele frequency attached by ClinVar (database versions not stated): ESP Exome Variant Server 0.00015; ExAC 0.00017; gnomAD 0.00017.
gnomAD v4.1: 395 of 1,614,030 alleles (0.024%); highest among the groups gnomAD compares: Non-Finnish European, 0.031%; no homozygotes.

Submission:

PreventionGenetics, part of Exact Sciences
Classification: Likely benign for OGDHL-related condition. Last evaluated: 2019-11-16. Review status: no assertion criteria provided. Collection method: clinical testing. Allele origin: germline.
Comment: This variant is classified as likely benign based on ACMG/AMP sequence variant interpretation guidelines (Richards et al. 2015 PMID: 25741868, with internal and published modifications).

NM_018245.3(OGDHL):c.2742G>A (p.Thr914=)

Gene: OGDHL (oxoglutarate dehydrogenase L; minus strand). Cytogenetic location: 10q11.23.
Variant type: single nucleotide variant.
Coding change: c.2742G>A on transcript NM_018245.3 (MANE Select); coding-DNA position 2742, G replaced by A.
Protein change: p.Thr914=; no amino-acid change (threonine 914 retained).
Molecular consequence: synonymous variant. On other transcripts: non-coding transcript variant (5).
Genome position (GRCh38, 1-based): chr10:49,736,369, C>T on the plus strand (G>A on the coding strand, the complement: OGDHL is on the minus strand). VCF-style: chr10-49736369-C-T. GRCh37 (hg19) VCF-style: chr10-50944415-C-T.
Other names: c.2571G>A, p.Thr857= (NM_001143996.2, NM_001347820.1); c.2115G>A, p.Thr705= (NM_001143997.2, NM_001347821.2, NM_001347822.1); c.2742G>A, p.Thr914= (NM_001347819.1); c.2562G>A, p.Thr854= (NM_001347823.1, NM_001347824.2); c.1935G>A, p.Thr645= (NM_001347825.2); c.1545G>A, p.Thr515= (NM_001347826.1).
Identifiers: ClinVar variation 3048101 (VCV003048101.2), dbSNP rs199675653, ClinGen allele CA5498050.